The following is an entry in ClinVar:

NM_014476.6(PDLIM3):c.-29=

Gene: PDLIM3 (PDZ and LIM domain 3; minus strand). Cytogenetic location: 4q35.1.
Variant type: single nucleotide variant.
Coding change: c.-29= on transcript NM_014476.6 (MANE Select); 29 bases upstream of the start codon, no change from the reference sequence.
Molecular consequence: no sequence alteration. On other transcripts: non-coding transcript variant (1).
Genome position: GRCh38 VCF-style: chr4-185535463-A-A. GRCh37 (hg19) VCF-style: chr4-186456617-A-A.
Other names: c.-29= (NM_001114107.5, NM_001257962.2, NM_001257963.2).
Identifiers: ClinVar variation 138677 (VCV000138677.1), dbSNP rs4862545.

ClinVar aggregate classification (germline): Benign (1 of 4 stars; one submission).

Allele frequency attached by ClinVar (database versions not stated): ExAC 0.01435; ESP Exome Variant Server 0.05073; 1000 Genomes Project 0.05172; TOPMed 0.05327; 1000 Genomes Project 30x 0.05590.

Submission:

GeneDx
Classification: Benign. Last evaluated: 2014-07-09. Review status: criteria provided, single submitter. Criteria: GeneDx Variant Classification (06012015). Collection method: clinical testing. Allele origin: germline. Affected: yes.
Comment: This variant is considered likely benign or benign based on one or more of the following criteria: it is a conservative change, it occurs at a poorly conserved position in the protein, it is predicted to be benign by multiple in silico algorithms, and/or has population frequency not consistent with disease.